The following is an entry in ClinVar:

NM_001414.4(EIF2B1):c.115+5A>G

Gene: EIF2B1 (eukaryotic translation initiation factor 2B subunit alpha; minus strand). Cytogenetic location: 12q24.31.
Variant type: single nucleotide variant.
Coding change: c.115+5A>G on transcript NM_001414.4 (MANE Select); 5 bases into the intron after coding-DNA position 115, A replaced by G.
Molecular consequence: intron variant.
Genome position (GRCh38, 1-based): chr12:123,632,340, T>C on the plus strand (A>G on the coding strand, the complement: EIF2B1 is on the minus strand). VCF-style: chr12-123632340-T-C. GRCh37 (hg19) VCF-style: chr12-124116887-T-C.
Identifiers: ClinVar variation 1904352 (VCV001904352.5), dbSNP rs963461769, ClinGen allele CA245158586.

ClinVar aggregate classification (germline): Uncertain significance (1 of 4 stars; one submission).

Allele frequency attached by ClinVar (database versions not stated): gnomAD exomes below 0.00001; gnomAD 0.00002; TOPMed 0.00002.
gnomAD v4.1: 4 of 1,583,036 alleles (0.00025%); highest among the groups gnomAD compares: African/African-American, 0.0054%; no homozygotes.

Submission:

Labcorp Genetics (formerly Invitae), Labcorp
Classification: Uncertain significance. Last evaluated: 2022-04-10. Review status: criteria provided, single submitter. Criteria: Invitae Variant Classification Sherloc (09022015). Collection method: clinical testing. Allele origin: germline.
Comment: This sequence change falls in intron 2 of the EIF2B1 gene. It does not directly change the encoded amino acid sequence of the EIF2B1 protein. It affects a nucleotide within the consensus splice site. This variant is not present in population databases (gnomAD no frequency). This variant has not been reported in the literature in individuals affected with EIF2B1-related conditions. Variants that disrupt the consensus splice site are a relatively common cause of aberrant splicing (PMID: 17576681, 9536098). Algorithms developed to predict the effect of sequence changes on RNA splicing suggest that this variant is not likely to affect RNA splicing. In summary, the available evidence is currently insufficient to determine the role of this variant in disease. Therefore, it has been classified as a Variant of Uncertain Significance.

Literature cited by the submitters: PubMed 17576681; PubMed 9536098.